The following is an entry in ClinVar:

NM_173598.6(KSR2):c.1117G>A (p.Ala373Thr)

Gene: KSR2 (kinase suppressor of ras 2; minus strand). Cytogenetic location: 12q24.22.
Variant type: single nucleotide variant.
Coding change: c.1117G>A on transcript NM_173598.6 (MANE Select); coding-DNA position 1117, G replaced by A.
Protein change: p.Ala373Thr; replaces alanine 373 with threonine.
Molecular consequence: missense variant.
Genome position (GRCh38, 1-based): chr12:117,667,528, C>T on the plus strand (G>A on the coding strand, the complement: KSR2 is on the minus strand). VCF-style: chr12-117667528-C-T. GRCh37 (hg19) VCF-style: chr12-118105333-C-T.
Other names: short protein forms A373T.
Identifiers: ClinVar variation 2634402 (VCV002634402.6), dbSNP rs376902515, ClinGen allele CA6816134.

ClinVar aggregate classification (germline): Uncertain significance. Review status: criteria provided, single submitter (1 of 4 stars). 2 submissions from 2 submitters: Uncertain significance (1). 1 of the submissions does not count toward it. Last evaluated 2024-10-25.

Conditions:
KSR2-related disorder. Also called: KSR2-related condition.

Allele frequency attached by ClinVar (database versions not stated): TOPMed 0.00011; gnomAD 0.00014; ESP Exome Variant Server 0.00016; ExAC 0.00017; 1000 Genomes Project 30x 0.00031; 1000 Genomes Project 0.00040.
gnomAD v4.1: 301 of 1,612,512 alleles (0.019%); highest among the groups gnomAD compares: East Asian, 0.049%; no homozygotes.

Submissions (2):

Labcorp Genetics (formerly Invitae), Labcorp
Classification: Uncertain significance. Last evaluated: 2024-10-25. Review status: criteria provided, single submitter. Criteria: Invitae Variant Classification Sherloc (09022015). Collection method: clinical testing. Allele origin: germline.
Comment: This sequence change replaces alanine, which is neutral and non-polar, with threonine, which is neutral and polar, at codon 344 of the KSR2 protein (p.Ala344Thr). This variant is present in population databases (rs376902515, gnomAD 0.06%). This missense change has been observed in individual(s) with obesity (PMID: 24209692). This variant is also known as p.A373T. ClinVar contains an entry for this variant (Variation ID: 2634402). An algorithm developed to predict the effect of missense changes on protein structure and function (PolyPhen-2) suggests that this variant is likely to be tolerated. In summary, the available evidence is currently insufficient to determine the role of this variant in disease. Therefore, it has been classified as a Variant of Uncertain Significance.

PreventionGenetics, part of Exact Sciences
Classification: Uncertain significance for KSR2-related condition. Last evaluated: 2024-07-02. Review status: no assertion criteria provided. Collection method: clinical testing. Allele origin: germline. Not counted in ClinVar's aggregate classification.
Comment: The KSR2 c.1030G>A variant is predicted to result in the amino acid substitution p.Ala344Thr. This variant was reported (as p.Ala373Thr) in a patient with severe early-onset obesity (Pearce et al. 2013. PubMed ID: 24209692) and in another patient with suspected monogenic obesity (Korber et al. 2019. ESPE Abstracts (2019) 92 P1-51). This variant is reported in 0.057% of alleles in individuals of East Asian descent in gnomAD. At this time, the clinical significance of this variant is uncertain due to the absence of conclusive functional and genetic evidence.

Literature cited by the submitters: PubMed 24209692 (cited by Labcorp Genetics (formerly Invitae), Labcorp).